The following is an entry in ClinVar:

ClinVar aggregate classification (germline): Conflicting classifications of pathogenicity. Review status: criteria provided, conflicting classifications (1 of 4 stars). 4 submissions from 4 submitters: Uncertain significance (3); Likely benign (1). Last evaluated 2025-05-19.

Conditions:
Familial hemophagocytic lymphohistiocytosis 4 (FHL4). Also called: STX11-Related Familial Hemophagocytic Lymphohistiocytosis (STX11-fHLH). Identifiers: Orphanet 540, MedGen C1863728, MONDO:0011336, OMIM 603552.
Inborn genetic diseases. Identifiers: MedGen C0950123, MeSH D030342.

Allele frequency attached by ClinVar (database versions not stated): TOPMed 0.00001; gnomAD 0.00003; gnomAD exomes 0.00005; ExAC 0.00009; 1000 Genomes Project 30x 0.00016; 1000 Genomes Project 0.00020.
gnomAD v4.1: 77 of 1,612,702 alleles (0.0048%); highest among the groups gnomAD compares: South Asian, 0.082%; 1 homozygote.

Submissions (4):

Ambry Genetics
Classification: Uncertain significance for Inborn genetic diseases. Last evaluated: 2025-05-19. Review status: criteria provided, single submitter. Criteria: Ambry Variant Classification Scheme 2023. Collection method: clinical testing. Allele origin: germline.

Blueprint Genetics
Classification: Uncertain significance. Last evaluated: 2023-11-21. Review status: criteria provided, single submitter. Criteria: ACMG Guidelines, 2015. Collection method: clinical testing. Allele origin: germline.

Women's Health and Genetics/Laboratory Corporation of America, LabCorp
Classification: Likely benign. Last evaluated: 2023-11-13. Review status: criteria provided, single submitter. Criteria: LabCorp Variant Classification Summary - May 2015. Collection method: clinical testing. Allele origin: germline.
Comment: Variant summary: STX11 c.247A>G (p.Lys83Glu) results in a conservative amino acid change located in the Syntaxin, N-terminal domain (IPR006011) of the encoded protein sequence. Three of five in-silico tools predict a damaging effect of the variant on protein function. The variant allele was found at a frequency of 8.9e-05 in 247258 control chromosomes, predominantly at a frequency of 0.00072 within the South Asian subpopulation in the gnomAD database. The observed variant frequency within South Asian control individuals in the gnomAD database is approximately 1.44 fold of the estimated maximal expected allele frequency for a pathogenic variant in STX11 causing Familial Hemophagocytic Lymphohistiocytosis phenotype (0.0005), strongly suggesting that the variant is a benign polymorphism found primarily in populations of South Asian origin. To our knowledge, no occurrence of c.247A>G in individuals affected with Familial Hemophagocytic Lymphohistiocytosis and no experimental evidence demonstrating its impact on protein function have been reported. One submitter has cited clinical-significance assessments for this variant to ClinVar after 2014 and has classified the variant as uncertain significance. Based on the evidence outlined above, the variant was classified as likely benign.

Labcorp Genetics (formerly Invitae), Labcorp
Classification: Uncertain significance for Familial hemophagocytic lymphohistiocytosis 4. Last evaluated: 2022-05-15. Review status: criteria provided, single submitter. Criteria: Invitae Variant Classification Sherloc (09022015). Collection method: clinical testing. Allele origin: germline.
Comment: This sequence change replaces lysine, which is basic and polar, with glutamic acid, which is acidic and polar, at codon 83 of the STX11 protein (p.Lys83Glu). This variant is present in population databases (rs574127091, gnomAD 0.07%). This variant has not been reported in the literature in individuals affected with STX11-related conditions. Algorithms developed to predict the effect of missense changes on protein structure and function are either unavailable or do not agree on the potential impact of this missense change (SIFT: "Tolerated"; PolyPhen-2: "Probably Damaging"; Align-GVGD: "Class C0"). In summary, the available evidence is currently insufficient to determine the role of this variant in disease. Therefore, it has been classified as a Variant of Uncertain Significance.

NM_003764.4(STX11):c.247A>G (p.Lys83Glu)

Gene: STX11 (syntaxin 11; plus strand). Cytogenetic location: 6q24.2.
Variant type: single nucleotide variant.
Coding change: c.247A>G on transcript NM_003764.4 (MANE Select); coding-DNA position 247, A replaced by G.
Protein change: p.Lys83Glu; replaces lysine 83 with glutamic acid.
Molecular consequence: missense variant.
Genome position (GRCh38, 1-based): chr6:144,186,874, A>G. VCF-style: chr6-144186874-A-G. GRCh37 (hg19) VCF-style: chr6-144508011-A-G.
Other names: short protein forms K83E.
Identifiers: ClinVar variation 2184940 (VCV002184940.4), dbSNP rs574127091, ClinGen allele CA4031663.
Genomic context (GRCh38, chr6:144,186,874, plus strand): 5'-AAGCGGCTGGGAAAGCAGAACGCCCGCTTCCTCACGTCCATGCGGCGCCTCAGCAGCATC[A>G]AGCGCGACACCAACTCCATCGCCAAGGCCATCAAGGCCCGGGGCGAGGTCATCCACTGCA-3'
Protein context (NP_003755.2, residues 73-93): LTSMRRLSSI[Lys83Glu]RDTNSIAKAI